The following is an entry in ClinVar:

NM_002968.3(SALL1):c.9G>A (p.Arg3=)

Gene: SALL1 (spalt like transcription factor 1; minus strand). Cytogenetic location: 16q12.1.
Variant type: single nucleotide variant.
Coding change: c.9G>A on transcript NM_002968.3 (MANE Select); coding-DNA position 9, G replaced by A.
Protein change: p.Arg3=; no amino-acid change (arginine 3 retained).
Molecular consequence: synonymous variant.
Genome position (GRCh38, 1-based): chr16:51,151,233, C>T on the plus strand (G>A on the coding strand, the complement: SALL1 is on the minus strand). VCF-style: chr16-51151233-C-T. GRCh37 (hg19) VCF-style: chr16-51185144-C-T.
Identifiers: ClinVar variation 2069001 (VCV002069001.10), dbSNP rs200987027, ClinGen allele CA8053604.
Genomic context (GRCh38, chr16:51,151,233, plus strand): 5'-CCGGGGGAGCGAGGCCACTTCGGGGTCGGATTGGAAATGTTGAGGCTTCGCTTGCTTCCT[C>T]CGCGACATGCTGGCTCAAACATCAGCTGGGGCAGAATAAAAAATTACTAAAAAAAAATCT-3'
Protein context (NP_002959.2, residues 1-13): MS[Arg3=]RKQAKPQHFQ

ClinVar aggregate classification (germline): Likely benign. Review status: criteria provided, multiple submitters, no conflicts (2 of 4 stars). 2 submissions from 2 submitters: Likely benign (2). Last evaluated 2025-11-01.

Conditions:
Townes syndrome (TBS). Also called: Townes-Brocks syndrome. Identifiers: Orphanet 857, MedGen C0265246, MeSH C536974, MONDO:0007142.

Allele frequency attached by ClinVar (database versions not stated): gnomAD exomes 0.00002; ExAC 0.00009; TOPMed 0.00013; gnomAD 0.00015; 1000 Genomes Project 30x 0.00016; 1000 Genomes Project 0.00020; ESP Exome Variant Server 0.00031.
gnomAD v4.1: 46 of 1,599,476 alleles (0.0029%); highest among the groups gnomAD compares: African/African-American, 0.056%; no homozygotes.

Submissions (2):

CeGaT Center for Human Genetics Tuebingen
Classification: Likely benign. Last evaluated: 2025-11-01. Review status: criteria provided, single submitter. Criteria: CeGaT Center For Human Genetics Tuebingen Variant Classification Criteria Version 2. Collection method: clinical testing. Allele origin: germline. Affected: yes. Observed: 1 variant allele.
Comment: SALL1: BP4, BP7

Labcorp Genetics (formerly Invitae), Labcorp
Classification: Likely benign for Townes syndrome. Last evaluated: 2025-08-04. Review status: criteria provided, single submitter. Criteria: Invitae Variant Classification Sherloc (09022015). Collection method: clinical testing. Allele origin: germline.